The following is an entry in ClinVar:

ClinVar aggregate classification (germline): Uncertain significance (1 of 4 stars; one submission).

Submission:

Labcorp Genetics (formerly Invitae), Labcorp
Classification: Uncertain significance. Last evaluated: 2024-05-28. Review status: criteria provided, single submitter. Criteria: Invitae Variant Classification Sherloc (09022015). Collection method: clinical testing. Allele origin: germline.
Comment: This sequence change replaces glycine, which is neutral and non-polar, with alanine, which is neutral and non-polar, at codon 229 of the ACAN protein (p.Gly229Ala). This variant is not present in population databases (gnomAD no frequency). This variant has not been reported in the literature in individuals affected with ACAN-related conditions. Advanced modeling of protein sequence and biophysical properties (such as structural, functional, and spatial information, amino acid conservation, physicochemical variation, residue mobility, and thermodynamic stability) performed at Invitae indicates that this missense variant is not expected to disrupt ACAN protein function with a negative predictive value of 80%. In summary, the available evidence is currently insufficient to determine the role of this variant in disease. Therefore, it has been classified as a Variant of Uncertain Significance.

NM_001369268.1(ACAN):c.686G>C (p.Gly229Ala)

Gene: ACAN (aggrecan; plus strand). Cytogenetic location: 15q26.1.
Variant type: single nucleotide variant.
Coding change: c.686G>C on transcript NM_001369268.1 (MANE Select); coding-DNA position 686, G replaced by C.
Protein change: p.Gly229Ala; replaces glycine 229 with alanine.
Molecular consequence: missense variant.
Genome position (GRCh38, 1-based): chr15:88,841,796, G>C. VCF-style: chr15-88841796-G-C. GRCh37 (hg19) VCF-style: chr15-89385027-G-C.
Other names: c.686G>C, p.Gly229Ala (NM_001411096.1, NM_001411097.1, NM_013227.4 and 1 more transcripts); short protein forms G229A.
Identifiers: ClinVar variation 3674969 (VCV003674969.2).